The following is an entry in ClinVar:

ClinVar aggregate classification (germline): Uncertain significance (1 of 4 stars; one submission).

Allele frequency attached by ClinVar (database versions not stated): TOPMed below 0.00001.

Submission:

Labcorp Genetics (formerly Invitae), Labcorp
Classification: Uncertain significance. Last evaluated: 2022-11-22. Review status: criteria provided, single submitter. Criteria: Invitae Variant Classification Sherloc (09022015). Collection method: clinical testing. Allele origin: germline.
Comment: In summary, the available evidence is currently insufficient to determine the role of this variant in disease. Therefore, it has been classified as a Variant of Uncertain Significance. Algorithms developed to predict the effect of missense changes on protein structure and function are either unavailable or do not agree on the potential impact of this missense change (SIFT: "Deleterious"; PolyPhen-2: "Benign"; Align-GVGD: "Class C0"). This variant has not been reported in the literature in individuals affected with EFL1-related conditions. This variant is not present in population databases (gnomAD no frequency). This sequence change replaces valine, which is neutral and non-polar, with alanine, which is neutral and non-polar, at codon 715 of the EFL1 protein (p.Val715Ala).

NM_024580.6(EFL1):c.2144T>C (p.Val715Ala)

Gene: EFL1 (elongation factor like GTPase 1; minus strand). Cytogenetic location: 15q25.2.
Variant type: single nucleotide variant.
Coding change: c.2144T>C on transcript NM_024580.6 (MANE Select); coding-DNA position 2144, T replaced by C.
Protein change: p.Val715Ala; replaces valine 715 with alanine.
Molecular consequence: missense variant. On other transcripts: non-coding transcript variant (1).
Genome position (GRCh38, 1-based): chr15:82,152,310, A>G on the plus strand (T>C on the coding strand, the complement: EFL1 is on the minus strand). VCF-style: chr15-82152310-A-G. GRCh37 (hg19) VCF-style: chr15-82444651-A-G.
Other names: c.1991T>C, p.Val664Ala (NM_001040610.3); c.1355T>C, p.Val452Ala (NM_001322844.2); c.2144T>C, p.Val715Ala (NM_001322845.2); short protein forms V664A, V452A, V715A.
Identifiers: ClinVar variation 2785253 (VCV002785253.3), dbSNP rs2073921349, ClinGen allele CA393288930.